The following is an entry in ClinVar:

NM_000263.4(NAGLU):c.1811C>T (p.Pro604Leu)

Gene: NAGLU (N-acetyl-alpha-glucosaminidase; plus strand). Cytogenetic location: 17q21.2.
Variant type: single nucleotide variant.
Coding change: c.1811C>T on transcript NM_000263.4 (MANE Select); coding-DNA position 1811, C replaced by T.
Protein change: p.Pro604Leu; replaces proline 604 with leucine.
Molecular consequence: missense variant.
Genome position (GRCh38, 1-based): chr17:42,543,817, C>T. VCF-style: chr17-42543817-C-T. GRCh37 (hg19) VCF-style: chr17-40695835-C-T.
Other names: short protein forms P604L.
Identifiers: ClinVar variation 554402 (VCV000554402.53), dbSNP rs751203469, ClinGen allele CA8577099.

ClinVar aggregate classification (germline): Pathogenic/Likely pathogenic. Review status: criteria provided, multiple submitters, no conflicts (2 of 4 stars). 11 submissions from 11 submitters: Pathogenic (4); Likely pathogenic (6). 1 of the submissions does not count toward it. Last evaluated 2025-12-22.

Conditions:
Mucopolysaccharidosis, MPS-III-B (MPS3B). Also called: MPS III B; MPS IIIB (Sanfilippo Syndrome Type B); N-ACETYL-ALPHA-D-GLUCOSAMINIDASE DEFICIENCY; NAGLU DEFICIENCY; SANFILIPPO SYNDROME B; Mucopolysaccharidosis type IIIB (Sanfilippo B). Identifiers: Orphanet 79270, MedGen C0086648, MONDO:0009656, OMIM 252920.
Charcot-Marie-Tooth disease axonal type 2V. Also called: CHARCOT-MARIE-TOOTH NEUROPATHY, TYPE 2V; CHARCOT-MARIE-TOOTH DISEASE, AXONAL, AUTOSOMAL DOMINANT, TYPE 2V. Identifiers: Orphanet 447964, MedGen C5569050, MONDO:0014665, OMIM 616491.

Allele frequency attached by ClinVar (database versions not stated): gnomAD exomes 0.00001; ExAC 0.00002; gnomAD 0.00002 and 0.00003; TOPMed 0.00002.
gnomAD v4.1: 28 of 1,603,424 alleles (0.0017%); highest among the groups gnomAD compares: South Asian, 0.0033%; no homozygotes.

Submissions (11):

Variantyx, Inc.
Classification: Likely pathogenic for Mucopolysaccharidosis, MPS-III-B. Last evaluated: 2025-12-22. Review status: criteria provided, single submitter. Criteria: Variantyx Assertion Criteria 2022. Collection method: clinical testing. Allele origin: germline. Inheritance: Autosomal recessive inheritance. Affected: no.
Comment: This is a nonsynonymous variant in the NAGLU gene (OMIM: 609701). Pathogenic variants in this gene have been associated with autosomal recessive mucopolysaccharidosis type IIIB . This variant has been identified in the homozygous state in at least 3 individuals reported in the published literature (PMID: 23100014, 21910976) (PM3). Functional studies have shown that this variant alters NAGLU protein function (PMID: 29979746) (PS3_Moderate), and multiple computational algorithms predict a deleterious effect for this variant (REVEL score: 0.715) (PP3). This variant has a 0.0033% maximum allele frequency in non-founder control populations (PM2). Based on the current evidence, this variant is classified as likely pathogenic for autosomal recessive mucopolysaccharidosis type IIIB .

GeneDx
Classification: Pathogenic. Last evaluated: 2025-12-19. Review status: criteria provided, single submitter. Criteria: GeneDx Variant Classification Process June 2021. Collection method: clinical testing. Allele origin: germline. Affected: yes.
Comment: Published functional studies demonstrate a damaging effect on enzyme activity (PMID: 29979746); In silico analysis supports that this missense variant has a deleterious effect on protein structure/function; Not observed at significant frequency in large population cohorts (gnomAD); This variant is associated with the following publications: (PMID: 22908982, 23100014, 38488524, 21910976, 29979746)

Labcorp Genetics (formerly Invitae), Labcorp
Classification: Likely pathogenic for Charcot-Marie-Tooth disease axonal type 2V; Mucopolysaccharidosis, MPS-III-B. Last evaluated: 2025-06-26. Review status: criteria provided, single submitter. Criteria: Invitae Variant Classification Sherloc (09022015). Collection method: clinical testing. Allele origin: germline.
Comment: This sequence change replaces proline, which is neutral and non-polar, with leucine, which is neutral and non-polar, at codon 604 of the NAGLU protein (p.Pro604Leu). The frequency data for this variant in the population databases is considered unreliable, as metrics indicate poor data quality at this position in the gnomAD database. This missense change has been observed in individual(s) with mucopolysaccharidosis type III (PMID: 21910976, 23100014). ClinVar contains an entry for this variant (Variation ID: 554402). Invitae Evidence Modeling of protein sequence and biophysical properties (such as structural, functional, and spatial information, amino acid conservation, physicochemical variation, residue mobility, and thermodynamic stability) has been performed for this missense variant. However, the output from this modeling did not meet the statistical confidence thresholds required to predict the impact of this variant on NAGLU protein function. Experimental studies have shown that this missense change affects NAGLU function (PMID: 29979746). In summary, the currently available evidence indicates that the variant is pathogenic, but additional data are needed to prove that conclusively. Therefore, this variant has been classified as Likely Pathogenic.

Natera, Inc.
Classification: Likely pathogenic for Mucopolysaccharidosis type IIIB. Last evaluated: 2024-10-25. Review status: criteria provided, single submitter. Criteria: Natera Variant Classification Schema (03/2026). Collection method: clinical testing. Allele origin: germline.
Comment: The c.1811C>T variant in NAGLU is a missense variant predicted to cause substitution of proline to leucine at amino acid 604. This variant is rare in the general population with a frequency below the threshold expected for the associated phenotype(s). This variant has been observed in one or more individuals affected with the associated recessive disease, as either homozygous or compound heterozygous with a second variant (PMID: 38488524, 21910976, 23100014). Functional studies show that this variant may disrupt protein function (PMID: 29979746). Computational prediction algorithms indicate this variant is likely to affect gene or protein function. Given the available evidence, this variant is classified as Likely Pathogenic.

Genomic Medicine Center of Excellence, King Faisal Specialist Hospital and Research Centre
Classification: Likely pathogenic for Mucopolysaccharidosis, MPS-III-B. Last evaluated: 2024-03-26. Review status: criteria provided, single submitter. Criteria: ACMG Guidelines, 2015. Collection method: clinical testing. Allele origin: germline.

Fulgent Genetics
Classification: Likely pathogenic for Mucopolysaccharidosis, MPS-III-B; Charcot-Marie-Tooth disease axonal type 2V. Last evaluated: 2024-02-21. Review status: criteria provided, single submitter. Criteria: ACMG Guidelines, 2015. Collection method: clinical testing. Allele origin: germline.

Women's Health and Genetics/Laboratory Corporation of America, LabCorp
Classification: Pathogenic for Mucopolysaccharidosis, MPS-III-B. Last evaluated: 2022-08-25. Review status: criteria provided, single submitter. Criteria: LabCorp Variant Classification Summary - May 2015. Collection method: clinical testing. Allele origin: germline.
Comment: Variant summary: NAGLU c.1811C>T (p.Pro604Leu) results in a non-conservative amino acid change located in the Alpha-N-acetylglucosaminidase, C-terminal domain (IPR024732) of the encoded protein sequence. Four of five in-silico tools predict a damaging effect of the variant on protein function. The variant allele was found at a frequency of 1.3e-05 in 227262 control chromosomes (gnomAD). c.1811C>T has been reported in the literature in individuals affected with Mucopolysaccharidosis Type IIIB (Sanfilippo Syndrome B) (examples: Ouesleti_2011 and Klaas_2013 ). These data indicate that the variant is likely to be associated with disease. At least one publication reports experimental evidence evaluating an impact on protein function. The most pronounced variant effect results in <10% of normal activity (example: Clark_2018). Five clinical diagnostic laboratories have submitted clinical-significance assessments for this variant to ClinVar after 2014 and all classified the variant as pathogenic/likely pathogenic. Based on the evidence outlined above, the variant was classified as pathogenic.

Centre of Medical Genetics, University Hospital Muenster
Classification: Likely pathogenic for Mucopolysaccharidosis, MPS-III-B. Last evaluated: 2022-08-19. Review status: criteria provided, single submitter. Criteria: ACMG Guidelines, 2015. Collection method: clinical testing. Allele origin: unknown. Affected: yes. Observed: 1 variant allele, 1 homozygote.
Comment: ACMG categories: PM1,PM2,PP3,PP5

CeGaT Center for Human Genetics Tuebingen
Classification: Pathogenic. Last evaluated: 2021-03-01. Review status: criteria provided, single submitter. Criteria: CeGaT Center For Human Genetics Tuebingen Variant Classification Criteria Version 2. Collection method: clinical testing. Allele origin: germline. Affected: yes. Observed: 1 variant allele.

Baylor Genetics
Classification: Pathogenic for Mucopolysaccharidosis, MPS-III-B. Last evaluated: 2019-12-06. Review status: criteria provided, single submitter. Criteria: ACMG Guidelines, 2015. Collection method: clinical testing. Allele origin: unknown. Affected: yes.
Comment: This variant was determined to be pathogenic according to ACMG Guidelines, 2015 [PMID:25741868].

Counsyl
Classification: Likely pathogenic for Mucopolysaccharidosis, MPS-III-B. Last evaluated: 2017-10-17. Review status: no assertion criteria provided. Collection method: clinical testing. Allele origin: unknown. Not counted in ClinVar's aggregate classification.

Literature cited by the submitters: PubMed 29979746 (cited by 4 submitters); PubMed 23100014 (cited by 5 submitters); PubMed 21910976 (cited by 5 submitters); PubMed 38488524 (cited by Natera, Inc.).